The following is an entry in ClinVar:

NM_005219.5(DIAPH1):c.*618G>C

Gene: DIAPH1 (diaphanous related formin 1; minus strand). Cytogenetic location: 5q31.3.
Variant type: single nucleotide variant.
Coding change: c.*618G>C on transcript NM_005219.5 (MANE Select); 618 bases downstream of the stop codon, G replaced by C.
Molecular consequence: 3 prime UTR variant.
Genome position (GRCh38, 1-based): chr5:141,516,233, C>G on the plus strand (G>C on the coding strand, the complement: DIAPH1 is on the minus strand). VCF-style: chr5-141516233-C-G. GRCh37 (hg19) VCF-style: chr5-140895800-C-G.
Other names: c.*618G>C (NM_001079812.3); c.*737G>C (NM_001314007.2).
Identifiers: ClinVar variation 351277 (VCV000351277.5), dbSNP rs144081334, ClinGen allele CA10623008.
Genomic context (GRCh38, chr5:141,516,233, plus strand): 5'-TCGCTATGCCCTGCCTGCCTGCCCACAGGCTCTGGCCTGGGCCACAGCACAGCAGGGAAA[C>G]TGGTCCAGATCCTTTGCTTTGGAGGCCTTTCCCAGGAAGGTGGGGTAAAGGTGGGATTTG-3'

ClinVar aggregate classification (germline): Benign (1 of 4 stars; one submission).

Conditions:
Autosomal dominant nonsyndromic hearing loss 1. Also called: KONIGSMARK SYNDROME; DEAFNESS, AUTOSOMAL DOMINANT 1, WITH OR WITHOUT THROMBOCYTOPENIA. Identifiers: Orphanet 90635, MedGen C1852282, MONDO:0007424, OMIM 124900.

Allele frequency attached by ClinVar (database versions not stated): gnomAD exomes 0.00489; gnomAD 0.01145 and 0.01207; 1000 Genomes Project 0.01238; TOPMed 0.01302; 1000 Genomes Project 30x 0.01468.
gnomAD v4.1: 1,811 of 166,248 alleles (1.1%); highest among the groups gnomAD compares: African/African-American, 2.8%; 26 homozygotes.

Submission:

Illumina Laboratory Services, Illumina
Classification: Benign for Autosomal dominant nonsyndromic hearing loss 1. Last evaluated: 2018-01-12. Review status: criteria provided, single submitter. Criteria: ICSL Variant Classification Criteria 13 December 2019. Collection method: clinical testing. Allele origin: germline.
Comment: This variant was observed in the ICSL laboratory as part of a predisposition screen in an ostensibly healthy population. It had not been previously curated by ICSL or reported in the Human Gene Mutation Database (HGMD: prior to June 1st, 2018), and was therefore a candidate for classification through an automated scoring system. Utilizing variant allele frequency, disease prevalence and penetrance estimates, and inheritance mode, an automated score was calculated to assess if this variant is too frequent to cause the disease. Based on the score and internal cut-off values, a variant classified as benign is not then subjected to further curation. The score for this variant resulted in a classification of benign for this disease.